The following is an entry in ClinVar:

ClinVar aggregate classification (germline): Benign. Review status: criteria provided, multiple submitters, no conflicts (2 of 4 stars). 7 submissions from 7 submitters: Benign (7). Last evaluated 2026-02-04.

Conditions:
Alport syndrome. Also called: Hemorrhagic familial nephritis; Hemorrhagic hereditary nephritis; Congenital hereditary hematuria. Identifiers: Orphanet 63, MedGen C1567741, MONDO:0018965.

Allele frequency attached by ClinVar (database versions not stated): gnomAD exomes 0.02491; ExAC 0.02532; gnomAD 0.02920 and 0.03067; TOPMed 0.03225; 1000 Genomes Project 30x 0.06340; 1000 Genomes Project 0.06709; ESP Exome Variant Server 0.02322.
gnomAD v4.1: 19,914 of 1,612,466 alleles (1.2%); highest among the groups gnomAD compares: East Asian, 17%; 915 homozygotes.

Submissions (7):

Labcorp Genetics (formerly Invitae), Labcorp
Classification: Benign. Last evaluated: 2026-02-04. Review status: criteria provided, single submitter. Criteria: Invitae Variant Classification Sherloc (09022015). Collection method: clinical testing. Allele origin: germline.

Blueprint Genetics
Classification: Benign. Last evaluated: 2024-11-26. Review status: criteria provided, single submitter. Criteria: ACMG Guidelines, 2015. Collection method: clinical testing. Allele origin: germline.

GeneDx
Classification: Benign. Last evaluated: 2018-07-01. Review status: criteria provided, single submitter. Criteria: GeneDx Variant Classification Process June 2021. Collection method: clinical testing. Allele origin: germline. Affected: yes.

Illumina Laboratory Services, Illumina
Classification: Benign for Alport syndrome. Last evaluated: 2018-01-13. Review status: criteria provided, single submitter. Criteria: ICSL Variant Classification Criteria 13 December 2019. Collection method: clinical testing. Allele origin: germline.
Comment: This variant was observed in the ICSL laboratory as part of a predisposition screen in an ostensibly healthy population. It had not been previously curated by ICSL or reported in the Human Gene Mutation Database (HGMD: prior to June 1st, 2018), and was therefore a candidate for classification through an automated scoring system. Utilizing variant allele frequency, disease prevalence and penetrance estimates, and inheritance mode, an automated score was calculated to assess if this variant is too frequent to cause the disease. Based on the score and internal cut-off values, a variant classified as benign is not then subjected to further curation. The score for this variant resulted in a classification of benign for this disease.

Laboratory for Molecular Medicine, Mass General Brigham Personalized Medicine
Classification: Benign. Last evaluated: 2016-03-21. Review status: criteria provided, single submitter. Criteria: LMM Criteria. Collection method: clinical testing. Allele origin: germline. Observed: 3 variant alleles.
Comment: c.766-13G>A in intron 13 of COL4A3: This variant is not expected to have clinica l significance because it has been identified in 18.09% (1554/8590) of East Asia n chromosomes by the Exome Aggregation Consortium (ExAC; dbSNP rs77431913).

Breakthrough Genomics
Classification: Benign. Review status: criteria provided, single submitter. Criteria: ACMG Guidelines, 2015. Collection method: not provided. Allele origin: germline. Inheritance: Autosomal recessive inheritance. Affected: yes.

PreventionGenetics, part of Exact Sciences
Classification: Benign. Review status: criteria provided, single submitter. Criteria: ACMG Guidelines, 2015. Collection method: clinical testing. Allele origin: germline.

NM_000091.5(COL4A3):c.766-13G>A

Genes: MFF-DT (MFF divergent transcript; minus strand), COL4A3 (collagen type IV alpha 3 chain; plus strand). Cytogenetic location: 2q36.3.
Variant type: single nucleotide variant.
Coding change: c.766-13G>A on transcript NM_000091.5 (MANE Select); 13 bases into the intron before coding-DNA position 766, G replaced by A.
Molecular consequence: intron variant.
Genome position (GRCh38, 1-based): chr2:227,254,099, G>A. VCF-style: chr2-227254099-G-A. GRCh37 (hg19) VCF-style: chr2-228118815-G-A.
Identifiers: ClinVar variation 255005 (VCV000255005.21), dbSNP rs77431913, ClinGen allele CA2146361.